The following is an entry in ClinVar:

ClinVar aggregate classification (germline): Pathogenic (1 of 4 stars; one submission).

Conditions:
15q11q13 microduplication syndrome. Also called: Chromosome 15q11-q13 duplication syndrome; DUPLICATION 15q11-q13 SYNDROME; Maternal 15q Duplication Syndrome; 15q11.2-q13.1 Duplication Syndrome. Identifiers: Orphanet 238446, MedGen C2675336, MONDO:0012081, OMIM 608636.

Submission:

Unidad de Genómica Garrahan, Hospital de Pediatría Garrahan
Classification: Pathogenic for 15q11q13 microduplication syndrome. Last evaluated: 2024-01-15. Review status: criteria provided, single submitter. Criteria: ACMG/ClinGen CNV Guidelines, 2019. Collection method: clinical testing. Allele origin: germline. Affected: yes.
Comment: Maternal 15q duplication syndrome The variant was initially identified through a Next Generation Sequencing (NGS) gene panel with bioinformatic prediction of copy number variants (CNVs), sequenced on a MiSeq sequencer. Subsequently, it was confirmed using multiplex ligation-dependent probe amplification (MLPA, SALSA MLPA Probemix ME028 Prader-Willi/Angelman version C1), which includes both copy number variations and methylation status of the 15q11 region. The observed copy number gains were as follows: asymmetrical breakpoints cen-BP4 (4 copies), BP4-BP5 (3 copies). Finally, the genomic content of this chromosomal rearrangement was characterized by array comparative genomic hybridization (a-CGH, SurePrint G3 Unrestricted CGH ISCA v2, 8x60K oligo-array; Analysis software: Agilent CytoGenomics 5.2.1.4; Equipment: SureScan Microarray Scanner, Agilent Technologies, USA). arr[GRCh38] 15q11.2q13.3(22612582_29993699x4,30527262_32116118x3)

GRCh38/hg38 15q11.2-13.3(chr15:22612582-32116118)

Genes: APBA2 (amyloid beta precursor protein binding family A member 2; plus strand), ARHGAP11B (Rho GTPase activating protein 11B), ARHGAP11B-DT (ARHGAP11B divergent transcript), ATP10A (ATPase phospholipid transporting 10A (putative); minus strand), ATP10A-DT (ATP10A divergent transcript; plus strand) and 225 more. Cytogenetic location: 15q11.2-13.3.
Variant type: copy number gain.
Identifiers: ClinVar variation 3062003 (VCV003062003.1).